The following is an entry in ClinVar:

ClinVar aggregate classification (germline): Uncertain significance (1 of 4 stars; one submission).

Conditions:
RFT1-congenital disorder of glycosylation (CDG1N). Also called: RFT1-CDG; CDG In; Congenital disorder of glycosylation type In. Identifiers: Orphanet 244310, MedGen C2677590, MONDO:0012783, OMIM 612015.

Allele frequency attached by ClinVar (database versions not stated): gnomAD exomes below 0.00001.
gnomAD v4.1: 1 of 1,613,838 alleles (0.000062%); highest among the groups gnomAD compares: Non-Finnish European, 0.000085%; no homozygotes.

Submission:

Labcorp Genetics (formerly Invitae), Labcorp
Classification: Uncertain significance for RFT1-congenital disorder of glycosylation. Last evaluated: 2021-07-15. Review status: criteria provided, single submitter. Criteria: Invitae Variant Classification Sherloc (09022015). Collection method: clinical testing. Allele origin: germline.
Comment: This sequence change replaces valine with alanine at codon 44 of the RFT1 protein (p.Val44Ala). The valine residue is moderately conserved and there is a small physicochemical difference between valine and alanine. This variant is not present in population databases (ExAC no frequency). This variant has not been reported in the literature in individuals with RFT1-related conditions. Algorithms developed to predict the effect of missense changes on protein structure and function are either unavailable or do not agree on the potential impact of this missense change (SIFT: "Deleterious"; PolyPhen-2: "Benign"; Align-GVGD: "Class C15"). In summary, the available evidence is currently insufficient to determine the role of this variant in disease. Therefore, it has been classified as a Variant of Uncertain Significance.

NM_052859.4(RFT1):c.131T>C (p.Val44Ala)

Gene: RFT1 (RFT1 glycolipid translocator homolog; minus strand). Cytogenetic location: 3p21.1.
Variant type: single nucleotide variant.
Coding change: c.131T>C on transcript NM_052859.4 (MANE Select); coding-DNA position 131, T replaced by C.
Protein change: p.Val44Ala; replaces valine 44 with alanine.
Molecular consequence: missense variant.
Genome position (GRCh38, 1-based): chr3:53,125,927, A>G on the plus strand (T>C on the coding strand, the complement: RFT1 is on the minus strand). VCF-style: chr3-53125927-A-G. GRCh37 (hg19) VCF-style: chr3-53159943-A-G.
Other names: short protein forms V44A.
Identifiers: ClinVar variation 1522453 (VCV001522453.8), dbSNP rs2107173212, ClinGen allele CA353223839.
Genomic context (GRCh38, chr3:53,125,927, plus strand): 5'-GGAAGGTGAACTCTGACAGTGCCAGGGTGCATCTCCTCCTACCTTACATTTACTACGCCA[A>G]CGATTTCCTTTGACAGGAAGCGAAGAATAAATGCATTCAAGACAAAGGTGATCAACCGAA-3'
Protein context (NP_443091.1, residues 34-54): FILRFLSKEI[Val44Ala]GVVNVRLTLL